The following is an entry in ClinVar:

NM_205768.3(ZBTB18):c.1454C>T (p.Thr485Met)

Gene: ZBTB18 (zinc finger and BTB domain containing 18; plus strand). Cytogenetic location: 1q44.
Variant type: single nucleotide variant.
Coding change: c.1454C>T on transcript NM_205768.3 (MANE Select); coding-DNA position 1454, C replaced by T.
Protein change: p.Thr485Met; replaces threonine 485 with methionine.
Molecular consequence: missense variant. On other transcripts: 3 prime UTR variant (1).
Genome position (GRCh38, 1-based): chr1:244,055,228, C>T. VCF-style: chr1-244055228-C-T. GRCh37 (hg19) VCF-style: chr1-244218530-C-T.
Other names: c.1454C>T (NM_205768.2); c.1427C>T, p.Thr476Met (NM_001278196.2, NM_006352.5); c.*631C>T (NM_001421566.1); short protein forms T476M, T485M.
Identifiers: ClinVar variation 3250442 (VCV003250442.3), dbSNP rs2527561619.

ClinVar aggregate classification (germline): Conflicting classifications of pathogenicity. Review status: criteria provided, conflicting classifications (1 of 4 stars). 3 submissions from 3 submitters: Pathogenic (1); Uncertain significance (1). 1 of the submissions does not count toward it. Last evaluated 2025-02-06.

Conditions:
Intellectual developmental disorder, autosomal dominant 22. Also called: Intellectual disability, autosomal dominant 22. Identifiers: MedGen CN029689, MONDO:0012869, OMIM 612337.

Submissions (3):

GeneDx
Classification: Pathogenic. Last evaluated: 2025-02-06. Review status: criteria provided, single submitter. Criteria: GeneDx Variant Classification Process June 2021. Collection method: clinical testing. Allele origin: germline. Affected: yes.
Comment: Not observed at significant frequency in large population cohorts (gnomAD); In silico analysis supports that this missense variant has a deleterious effect on protein structure/function; This variant is associated with the following publications: (PMID: 35982159, 33057194)

Neuberg Centre For Genomic Medicine, NCGM
Classification: Uncertain significance for Intellectual developmental disorder, autosomal dominant 22. Review status: criteria provided, single submitter. Criteria: ACMG Guidelines, 2015. Collection method: clinical testing. Allele origin: germline. Inheritance: Autosomal dominant inheritance. Affected: yes.
Comment: The observed missense c.1454C>T(p.Thr485Met) variant in ZBTB18 gene has not been reported previously as a pathogenic variant nor as a benign variant, to our knowledge. This variant is absent in gnomAD Exomes. The amino acid Thr at position 485 is changed to a Met changing protein sequence and it might alter its composition and physico-chemical properties. The amino acid change p.Thr485Met in ZBTB18 is predicted as conserved by GERP++ and PhyloP across 100 vertebrates. The variant is predicted as damaging by SIFT. For these reasons, this variant has been classified as Uncertain Significance.

Solve-RD Consortium
Classification: Likely pathogenic for Intellectual developmental disorder, autosomal dominant 22. Last evaluated: 2022-06-01. Review status: no assertion criteria provided. Collection method: provider interpretation. Allele origin: inherited. Affected: yes. Not counted in ClinVar's aggregate classification.
Comment: Variant confirmed as disease-causing by referring clinical team

Variant identified during reanalysis of unsolved cases by the Solve-RD project. The Solve-RD project has received funding from the European Union’s Horizon 2020 research and innovation programme under grant agreement No 779257.

Literature cited by the submitters: PubMed 39825153 (cited by Solve-RD Consortium).